The following is an entry in ClinVar:

ClinVar aggregate classification (germline): Conflicting classifications of pathogenicity. Review status: criteria provided, conflicting classifications (1 of 4 stars). 3 submissions from 3 submitters: Uncertain significance (2); Likely benign (1). Last evaluated 2025-02-25.

Conditions:
ADGRV1-related disorder. Also called: ADGRV1-related condition; ADGRV1-related disorders.
Inborn genetic diseases. Identifiers: MedGen C0950123, MeSH D030342.

Allele frequency attached by ClinVar (database versions not stated): gnomAD 0.00001; TOPMed 0.00001; ExAC 0.00002; gnomAD exomes 0.00003; 1000 Genomes Project 30x 0.00016; 1000 Genomes Project 0.00020.
gnomAD v4.1: 9 of 1,539,752 alleles (0.00058%); highest among the groups gnomAD compares: East Asian, 0.016%; no homozygotes.

Submissions (3):

PreventionGenetics, part of Exact Sciences
Classification: Uncertain significance for ADGRV1-related condition. Last evaluated: 2025-02-25. Review status: criteria provided, single submitter. Criteria: ACMG Guidelines, 2015. Collection method: clinical testing. Allele origin: germline.
Comment: The ADGRV1 c.9948T>A variant is predicted to result in the amino acid substitution p.Asn3316Lys. To our knowledge, this variant has not been reported in the literature. This variant is reported in 0.047% of alleles in individuals of East Asian descent in gnomAD. At this time, the clinical significance of this variant is uncertain due to the absence of conclusive functional and genetic evidence.

Labcorp Genetics (formerly Invitae), Labcorp
Classification: Likely benign. Last evaluated: 2024-05-20. Review status: criteria provided, single submitter. Criteria: Invitae Variant Classification Sherloc (09022015). Collection method: clinical testing. Allele origin: germline.

Ambry Genetics
Classification: Uncertain significance for Inborn genetic diseases. Last evaluated: 2023-09-13. Review status: criteria provided, single submitter. Criteria: Ambry Variant Classification Scheme 2023. Collection method: clinical testing. Allele origin: germline.

NM_032119.4(ADGRV1):c.9948T>A (p.Asn3316Lys)

Gene: ADGRV1 (adhesion G protein-coupled receptor V1; plus strand). Cytogenetic location: 5q14.3.
Variant type: single nucleotide variant.
Coding change: c.9948T>A on transcript NM_032119.4 (MANE Select); coding-DNA position 9948, T replaced by A.
Protein change: p.Asn3316Lys; replaces asparagine 3316 with lysine.
Molecular consequence: missense variant. On other transcripts: non-coding transcript variant (1).
Genome position (GRCh38, 1-based): chr5:90,725,127, T>A. VCF-style: chr5-90725127-T-A. GRCh37 (hg19) VCF-style: chr5-90020944-T-A.
Other names: c.9948T>A (NM_032119.3); short protein forms N3316K.
Identifiers: ClinVar variation 1519224 (VCV001519224.10), dbSNP rs534508538, ClinGen allele CA3340635.